The following is an entry in ClinVar:

NM_017636.4(TRPM4):c.1A>C (p.Met1Leu)

Gene: TRPM4 (transient receptor potential cation channel subfamily M member 4; plus strand). Cytogenetic location: 19q13.33.
Variant type: single nucleotide variant.
Coding change: c.1A>C on transcript NM_017636.4 (MANE Select); coding-DNA position 1, A replaced by C.
Protein change: p.Met1Leu; changes the start codon (methionine 1).
Molecular consequence: missense variant, initiator codon variant. On other transcripts: 5 prime UTR variant (3).
Genome position (GRCh38, 1-based): chr19:49,157,867, A>C. VCF-style: chr19-49157867-A-C. GRCh37 (hg19) VCF-style: chr19-49661124-A-C.
Other names: c.1A>C, p.Met1Leu (NM_001195227.2, NM_001321281.2); c.-1372A>C (NM_001321282.2); c.-166A>C (NM_001321283.2); c.-329A>C (NM_001321285.2); short protein forms M1L.
Identifiers: ClinVar variation 2625624 (VCV002625624.2), dbSNP rs969064041, ClinGen allele CA406787603.

ClinVar aggregate classification (germline): Uncertain significance (1 of 4 stars; one submission).

Conditions:
Cardiovascular phenotype. Identifiers: MedGen CN230736.

Allele frequency attached by ClinVar (database versions not stated): TOPMed below 0.00001.

Submission:

Ambry Genetics
Classification: Uncertain significance for Cardiovascular phenotype. Last evaluated: 2023-08-31. Review status: criteria provided, single submitter. Criteria: Ambry Variant Classification Scheme 2023. Collection method: clinical testing. Allele origin: germline.
Comment: The p.M1? variant (also known as c.1A>C) is located in coding exon 1 of the TRPM4 gene and results from a A to C substitution at nucleotide position 1. This alters the methionine residue at the initiation codon (ATG). Sequence variations that modify the initiation codon are expected to result in either loss of translation initiation, N-terminal truncation, or cause a shift in the mRNA reading frame. However, loss of function of TRPM4 has not been established as a mechanism of disease. Since supporting evidence is limited at this time, the clinical significance of this alteration remains unclear.